The following is an entry in ClinVar:

ClinVar aggregate classification (germline): Conflicting classifications of pathogenicity. Review status: criteria provided, conflicting classifications (1 of 4 stars). 9 submissions from 9 submitters: Pathogenic (1); Likely pathogenic (6); Uncertain significance (1). 1 of the submissions does not count toward it. Last evaluated 2026-01-21.

Conditions:
Rapadilino syndrome. Identifiers: Orphanet 3021, MedGen C1849453, MONDO:0009955, OMIM 266280.
Baller-Gerold syndrome (BGS). Also called: CRANIOSYNOSTOSIS WITH RADIAL DEFECTS. Identifiers: Orphanet 1225, MedGen C0265308, MONDO:0009039, OMIM 218600.
Multiple congenital anomalies/dysmorphic syndrome-intellectual disability. Identifiers: Orphanet 102283, MedGen C5680372, MONDO:0015159.

Allele frequency attached by ClinVar (database versions not stated): TOPMed 0.00003; gnomAD exomes 0.00003 and 0.00002; gnomAD 0.00001 and 0.00002; ExAC 0.00002.
gnomAD v4.1: 44 of 1,589,356 alleles (0.0028%); highest among the groups gnomAD compares: Admixed American, 0.0036%; no homozygotes.

Submissions (9):

Labcorp Genetics (formerly Invitae), Labcorp
Classification: Pathogenic for Baller-Gerold syndrome. Last evaluated: 2026-01-21. Review status: criteria provided, single submitter. Criteria: Invitae Variant Classification Sherloc (09022015). Collection method: clinical testing. Allele origin: germline.
Comment: This sequence change replaces proline, which is neutral and non-polar, with leucine, which is neutral and non-polar, at codon 466 of the RECQL4 protein (p.Pro466Leu). This variant is present in population databases (rs386833844, gnomAD 0.004%). This missense change has been observed in individual(s) with Rothmand-Thompson syndrome (RTS) (PMID: 18504617, 18716613). In at least one individual the data is consistent with being in trans (on the opposite chromosome) from a pathogenic variant. ClinVar contains an entry for this variant (Variation ID: 56399). Invitae Evidence Modeling of protein sequence and biophysical properties (such as structural, functional, and spatial information, amino acid conservation, physicochemical variation, residue mobility, and thermodynamic stability) indicates that this missense variant is expected to disrupt RECQL4 protein function with a positive predictive value of 80%. Experimental studies have shown that this missense change affects RECQL4 function (PMID: 23238538, 33046774). For these reasons, this variant has been classified as Pathogenic.

3billion
Classification: Likely pathogenic for Baller-Gerold syndrome. Last evaluated: 2024-07-26. Review status: criteria provided, single submitter. Criteria: ACMG Guidelines, 2015. Collection method: clinical testing. Allele origin: germline. Affected: yes.
Comment: The variant is observed at an extremely low frequency in the gnomAD v4.0.0 dataset (total allele frequency: 0.003%). Predicted Consequence/Location: The majority of the known disease-causing variants of this gene are variants expected to result in premature termination of the protein. The same nucleotide change resulting in the same amino acid change has been previously reported as pathogenic/likely pathogenic with strong evidence (ClinVar ID: VCV000056399). Therefore, this variant is classified as Likely pathogenic according to the recommendation of ACMG/AMP guideline.

Blueprint Genetics
Classification: Uncertain significance. Last evaluated: 2024-06-10. Review status: criteria provided, single submitter. Criteria: ACMG Guidelines, 2015. Collection method: clinical testing. Allele origin: germline.

AURAGEN, Plan France Médecine Génomique
Classification: Likely pathogenic for Multiple congenital anomalies/dysmorphic syndrome-intellectual disability. Last evaluated: 2021-09-27. Review status: criteria provided, single submitter. Criteria: PFMG2025 (Lancet Reg Health Eur. 2025). Collection method: clinical testing. Allele origin: germline. Affected: yes.

Revvity Omics, Revvity
Classification: Likely pathogenic. Last evaluated: 2021-03-09. Review status: criteria provided, single submitter. Criteria: ACMG Guidelines, 2015. Collection method: clinical testing. Allele origin: germline.

Mendelics
Classification: Likely pathogenic for Baller-Gerold syndrome. Last evaluated: 2019-05-28. Review status: criteria provided, single submitter. Criteria: Mendelics Assertion Criteria 2017. Collection method: clinical testing. Allele origin: unknown.

Eurofins Ntd Llc (ga)
Classification: Likely pathogenic. Last evaluated: 2018-08-21. Review status: criteria provided, single submitter. Criteria: EGL ClinVar v180209 classification definitions. Collection method: clinical testing. Allele origin: germline. Observed: 3 variant alleles, 3 heterozygotes.

GeneDx
Classification: Likely pathogenic. Last evaluated: 2018-08-17. Review status: criteria provided, single submitter. Criteria: GeneDx Variant Classification (06012015). Collection method: clinical testing. Allele origin: germline. Affected: yes.
Comment: The P466L variant in the RECQL4 gene has been reported previously in one individual with Rothmund-Thomson syndrome, and in one individual with RAPADALINO syndrome; both of these individuals harbored a frameshift RECQL4 variant in trans with P466L (Jin et al., 2008; Siitonen et al., 2009). Functional studies demonstrate that the P466L variant results in decreased protein activity as compared to wild type (Jensen et al., 2012). The P466L variant is observed in 4/106770 (0.004%) alleles from individuals of non-Finnish European background, in large population cohorts (Lek et al., 2016). The P466L variant is a semi-conservative amino acid substitution, which may impact secondary protein structure as these residues differ in some properties. In-silico analyses, including protein predictors and evolutionary conservation, support a deleterious effect. We interpret P466L as a likely pathogenic variant.

Juha Muilu Group; Institute for Molecular Medicine Finland (FIMM)
Classification: Likely pathogenic for Rapadilino syndrome. Review status: no assertion criteria provided. Collection method: not provided. Allele origin: unknown. Not counted in ClinVar's aggregate classification.
Comment: FinDis database variant: This variant was not found or characterized by our laboratory, data were collected from public sources: see reference
ClinVar note: Converted during submission from probable-pathogenic to Likely pathogenic.

Literature cited by the submitters: PubMed 18504617 (cited by Labcorp Genetics (formerly Invitae), Labcorp); PubMed 18716613 (cited by Labcorp Genetics (formerly Invitae), Labcorp); PubMed 23238538 (cited by Labcorp Genetics (formerly Invitae), Labcorp); PubMed 33046774 (cited by Labcorp Genetics (formerly Invitae), Labcorp).

NM_004260.4(RECQL4):c.1397C>T (p.Pro466Leu)

Gene: RECQL4 (RecQ like helicase 4; minus strand). Cytogenetic location: 8q24.3.
Variant type: single nucleotide variant.
Coding change: c.1397C>T on transcript NM_004260.4 (MANE Select); coding-DNA position 1397, C replaced by T.
Protein change: p.Pro466Leu; replaces proline 466 with leucine.
Molecular consequence: missense variant.
Genome position (GRCh38, 1-based): chr8:144,515,236, G>A on the plus strand (C>T on the coding strand, the complement: RECQL4 is on the minus strand). VCF-style: chr8-144515236-G-A. GRCh37 (hg19) VCF-style: chr8-145740620-G-A.
Other names: short protein forms P466L.
Identifiers: ClinVar variation 56399 (VCV000056399.22), dbSNP rs386833844, ClinGen allele CA144325.